The following is an entry in ClinVar:

ClinVar aggregate classification (germline): Uncertain significance (1 of 4 stars; one submission).

Conditions:
Familial adenomatous polyposis 1 (FAP1). Also called: FAMILIAL ADENOMATOUS POLYPOSIS 1, ATTENUATED; POLYPOSIS, ADENOMATOUS INTESTINAL. Identifiers: MedGen C2713442, MONDO:0021056, OMIM 175100. Disease mechanism: loss of function.

Submission:

Labcorp Genetics (formerly Invitae), Labcorp
Classification: Uncertain significance for Familial adenomatous polyposis 1. Last evaluated: 2021-10-06. Review status: criteria provided, single submitter. Criteria: Invitae Variant Classification Sherloc (09022015). Collection method: clinical testing. Allele origin: germline.
Comment: This variant has not been reported in the literature in individuals affected with APC-related conditions. ClinVar contains an entry for this variant (Variation ID: 654795). Experimental studies and prediction algorithms are not available or were not evaluated, and the functional significance of this variant is currently unknown. In summary, the available evidence is currently insufficient to determine the role of this variant in disease. Therefore, it has been classified as a Variant of Uncertain Significance. The frequency data for this variant in the population databases is considered unreliable, as metrics indicate insufficient coverage at this position in the ExAC database. This variant occurs in a non-coding region of the APC gene. It does not change the encoded amino acid sequence of the APC protein.

NM_001127511.3(APC):c.-57G>A

Gene: APC (APC regulator of Wnt signaling pathway; plus strand). Cytogenetic location: 5q22.2.
Variant type: single nucleotide variant.
Coding change: c.-57G>A on transcript NM_001127511.3; 57 bases upstream of the start codon, G replaced by A.
Molecular consequence: 5 prime UTR variant. On other transcripts: non-coding transcript variant (1), intron variant (5).
Genome position (GRCh38, 1-based): chr5:112,707,661, G>A. VCF-style: chr5-112707661-G-A. GRCh37 (hg19) VCF-style: chr5-112043358-G-A.
Other names: c.-240G>A (NM_001354895.2, NM_001407447.1, NM_001407452.1 and 3 more transcripts); c.-57G>A (NM_001354897.2, NM_001354902.2, NM_001407446.1); c.-1275G>A (NM_001407470.1, NM_001407472.1); c.-19+12G>A (NM_001407448.1, NM_001407450.1, NM_001407457.1 and 1 more transcripts); c.-43+12G>A (NM_001407453.1).
Identifiers: ClinVar variation 654795 (VCV000654795.7), dbSNP rs1580996569, ClinGen allele CA915943590.
Genomic context (GRCh38, chr5:112,707,661, plus strand): 5'-GCTCAGGCCCGGGAGCTGCGGACCGAGGTTGGCTCGATGCTGTTCCCAGGTACTGTTGTT[G>A]GCTGTTGGTGAGGAAGGTGAAGCACTCAGTTGCCTTCTCGGGCCTCGGCGCCCCCTATGT-3'